The following is an entry in ClinVar:

ClinVar aggregate classification (germline): Uncertain significance (1 of 4 stars; one submission).

Submission:

Dasa
Classification: Uncertain significance. Last evaluated: 2026-07-30. Review status: criteria provided, single submitter. Criteria: DASA Assertion Criteria. Collection method: clinical testing. Allele origin: germline.
Comment: NM_015046.7(SETX):c.3431C>G (p.Pro1144Arg) is a missense variant that results in the substitution of proline with arginine. This variant is rare in population databases. The currently available literature and clinical evidence are not sufficient to establish a definitive association between this variant and the reported condition. Therefore, this variant is classified as a variant of uncertain significance.

NM_015046.7(SETX):c.3431C>G (p.Pro1144Arg)

Gene: SETX (senataxin; minus strand). Cytogenetic location: 9q34.13.
Variant type: single nucleotide variant.
Coding change: c.3431C>G on transcript NM_015046.7 (MANE Select); coding-DNA position 3431, C replaced by G.
Protein change: p.Pro1144Arg; replaces proline 1144 with arginine.
Molecular consequence: missense variant.
Genome position (GRCh38, 1-based): chr9:132,328,167, G>C on the plus strand (C>G on the coding strand, the complement: SETX is on the minus strand). VCF-style: chr9-132328167-G-C. GRCh37 (hg19) VCF-style: chr9-135203554-G-C.
Other names: c.3431C>G, p.Pro1144Arg (NM_001351527.2, NM_001351528.2); short protein forms P1144R.
Identifiers: ClinVar variation 5021009 (VCV005021009.1).